The following is an entry in ClinVar:

ClinVar aggregate classification (germline): Uncertain significance (1 of 4 stars; one submission).

Conditions:
Neonatal-onset encephalopathy with rigidity and seizures. Also called: Lethal neonatal spasticity-epileptic encephalopathy syndrome. Identifiers: Orphanet 435845, MedGen C3281029, MONDO:0013784, OMIM 614498.

Allele frequency attached by ClinVar (database versions not stated): ExAC 0.00002; TOPMed 0.00002.
gnomAD v4.1: 6 of 1,556,210 alleles (0.00039%); highest among the groups gnomAD compares: East Asian, 0.0047%; no homozygotes.

Submission:

Labcorp Genetics (formerly Invitae), Labcorp
Classification: Uncertain significance for Neonatal-onset encephalopathy with rigidity and seizures. Last evaluated: 2022-02-10. Review status: criteria provided, single submitter. Criteria: Invitae Variant Classification Sherloc (09022015). Collection method: clinical testing. Allele origin: germline.
Comment: This sequence change replaces glutamic acid, which is acidic and polar, with glutamine, which is neutral and polar, at codon 458 of the BRAT1 protein (p.Glu458Gln). This variant is present in population databases (rs753141535, gnomAD 0.02%). This variant has not been reported in the literature in individuals affected with BRAT1-related conditions. ClinVar contains an entry for this variant (Variation ID: 642322). Algorithms developed to predict the effect of missense changes on protein structure and function output the following: SIFT: "Deleterious"; PolyPhen-2: "Benign"; Align-GVGD: "Class C0". The glutamine amino acid residue is found in multiple mammalian species, which suggests that this missense change does not adversely affect protein function. In summary, the available evidence is currently insufficient to determine the role of this variant in disease. Therefore, it has been classified as a Variant of Uncertain Significance.

NM_152743.4(BRAT1):c.1372G>C (p.Glu458Gln)

Gene: BRAT1 (BRCA1 associated ATM activator 1; minus strand). Cytogenetic location: 7p22.3.
Variant type: single nucleotide variant.
Coding change: c.1372G>C on transcript NM_152743.4 (MANE Select); coding-DNA position 1372, G replaced by C.
Protein change: p.Glu458Gln; replaces glutamic acid 458 with glutamine.
Molecular consequence: missense variant. On other transcripts: non-coding transcript variant (1).
Genome position (GRCh38, 1-based): chr7:2,541,002, C>G on the plus strand (G>C on the coding strand, the complement: BRAT1 is on the minus strand). VCF-style: chr7-2541002-C-G. GRCh37 (hg19) VCF-style: chr7-2580636-C-G.
Other names: c.1372G>C, p.Glu458Gln (NM_001350626.2); c.847G>C, p.Glu283Gln (NM_001350627.2); short protein forms E458Q, E283Q.
Identifiers: ClinVar variation 642322 (VCV000642322.8), dbSNP rs753141535, ClinGen allele CA4127788.